The following is an entry in ClinVar:

NM_001370259.2(MEN1):c.1198C>A (p.Gln400Lys)

Gene: MEN1 (menin 1; minus strand). Cytogenetic location: 11q13.1.
Variant type: single nucleotide variant.
Coding change: c.1198C>A on transcript NM_001370259.2 (MANE Select); coding-DNA position 1198, C replaced by A.
Protein change: p.Gln400Lys; replaces glutamine 400 with lysine.
Molecular consequence: missense variant.
Genome position (GRCh38, 1-based): chr11:64,805,186, G>T on the plus strand (C>A on the coding strand, the complement: MEN1 is on the minus strand). VCF-style: chr11-64805186-G-T. GRCh37 (hg19) VCF-style: chr11-64572658-G-T.
Other names: c.1213C>A, p.Gln405Lys (NM_000244.4, NM_130800.3, NM_130801.3 and 3 more transcripts); c.1324C>A, p.Gln442Lys (NM_001370251.2); c.1198C>A, p.Gln400Lys (NM_001370260.2, NM_001370261.2, NM_130799.3); c.1093C>A, p.Gln365Lys (NM_001370262.2, NM_001370263.2); short protein forms Q365K, Q405K, Q400K, Q442K.
Identifiers: ClinVar variation 1036183 (VCV001036183.9), dbSNP rs886039419, ClinGen allele CA381180781.
Genomic context (GRCh38, chr11:64,805,186, plus strand): 5'-TGCCGTCGTAGAATCGCAGCAGGTGGGCGAAGCACTCAGGGTCCTGGAGGGCGGAACCTT[G>T]GCTCTGGGTGCCCTGGACGAGGGGGAAGGGAGGGCACAGATCAGTCTCTTACTCACCCCT-3'
Protein context (NP_001357188.2, residues 390-410): PGEQSQGTQS[Gln400Lys]GSALQDPECF

ClinVar aggregate classification (germline): Uncertain significance (1 of 4 stars; one submission).

Conditions:
Multiple endocrine neoplasia, type 1 (MEN1). Also called: MEA I; MEN I; WERMER SYNDROME; Endocrine adenomatosis multiple; MEN 1. Identifiers: Orphanet 652, MedGen C0025267, MeSH D018761, MONDO:0007540, OMIM 131100.

Submission:

Labcorp Genetics (formerly Invitae), Labcorp
Classification: Uncertain significance for Multiple endocrine neoplasia, type 1. Last evaluated: 2021-07-22. Review status: criteria provided, single submitter. Criteria: Invitae Variant Classification Sherloc (09022015). Collection method: clinical testing. Allele origin: germline.
Comment: In summary, the available evidence is currently insufficient to determine the role of this variant in disease. Therefore, it has been classified as a Variant of Uncertain Significance. Algorithms developed to predict the effect of missense changes on protein structure and function (SIFT, PolyPhen-2, Align-GVGD) all suggest that this variant is likely to be tolerated, but these predictions have not been confirmed by published functional studies and their clinical significance is uncertain. This variant has not been reported in the literature in individuals with MEN1-related conditions. This variant is not present in population databases (ExAC no frequency). This sequence change replaces glutamine with lysine at codon 400 of the MEN1 protein (p.Gln400Lys). The glutamine residue is weakly conserved and there is a small physicochemical difference between glutamine and lysine.